The following is an entry in ClinVar:

NM_003737.4(DCHS1):c.9154C>T (p.Arg3052Cys)

Genes: DCHS1 (dachsous cadherin-related 1; minus strand), LOC130005209 (ATAC-STARR-seq lymphoblastoid active region 4351; plus strand). Cytogenetic location: 11p15.4.
Variant type: single nucleotide variant.
Coding change: c.9154C>T on transcript NM_003737.4 (MANE Select); coding-DNA position 9154, C replaced by T.
Protein change: p.Arg3052Cys; replaces arginine 3052 with cysteine.
Molecular consequence: missense variant.
Genome position (GRCh38, 1-based): chr11:6,622,522, G>A on the plus strand (C>T on the coding strand, the complement: DCHS1 is on the minus strand). VCF-style: chr11-6622522-G-A. GRCh37 (hg19) VCF-style: chr11-6643753-G-A.
Other names: c.9154C>T (NM_003737.2); short protein forms R3052C.
Identifiers: ClinVar variation 1379936 (VCV001379936.7), dbSNP rs530903190, ClinGen allele CA5859303.

ClinVar aggregate classification (germline): Uncertain significance. Review status: criteria provided, multiple submitters, no conflicts (2 of 4 stars). 2 submissions from 2 submitters: Uncertain significance (2). Last evaluated 2025-04-14.

Conditions:
Inborn genetic diseases. Identifiers: MedGen C0950123, MeSH D030342.

Allele frequency attached by ClinVar (database versions not stated): gnomAD exomes 0.00002; ExAC 0.00010; 1000 Genomes Project 30x 0.00016; 1000 Genomes Project 0.00020.

Submissions (2):

Ambry Genetics
Classification: Uncertain significance for Inborn genetic diseases. Last evaluated: 2025-04-14. Review status: criteria provided, single submitter. Criteria: Ambry Variant Classification Scheme 2023. Collection method: clinical testing. Allele origin: germline.

Labcorp Genetics (formerly Invitae), Labcorp
Classification: Uncertain significance. Last evaluated: 2025-03-03. Review status: criteria provided, single submitter. Criteria: Invitae Variant Classification Sherloc (09022015). Collection method: clinical testing. Allele origin: germline.
Comment: This sequence change replaces arginine, which is basic and polar, with cysteine, which is neutral and slightly polar, at codon 3052 of the DCHS1 protein (p.Arg3052Cys). The frequency data for this variant in the population databases is considered unreliable, as metrics indicate poor data quality at this position in the gnomAD database. This variant has not been reported in the literature in individuals affected with DCHS1-related conditions. ClinVar contains an entry for this variant (Variation ID: 1379936). Invitae Evidence Modeling of protein sequence and biophysical properties (such as structural, functional, and spatial information, amino acid conservation, physicochemical variation, residue mobility, and thermodynamic stability) indicates that this missense variant is not expected to disrupt DCHS1 protein function with a negative predictive value of 95%. In summary, the available evidence is currently insufficient to determine the role of this variant in disease. Therefore, it has been classified as a Variant of Uncertain Significance.